The following is an entry in ClinVar:

NM_004999.4(MYO6):c.596G>T (p.Arg199Leu)

Gene: MYO6 (myosin VI; plus strand). Cytogenetic location: 6q14.1.
Variant type: single nucleotide variant.
Coding change: c.596G>T on transcript NM_004999.4 (MANE Select); coding-DNA position 596, G replaced by T.
Protein change: p.Arg199Leu; replaces arginine 199 with leucine.
Molecular consequence: missense variant. On other transcripts: non-coding transcript variant (2).
Genome position (GRCh38, 1-based): chr6:75,840,627, G>T. VCF-style: chr6-75840627-G-T. GRCh37 (hg19) VCF-style: chr6-76550344-G-T.
Other names: c.596G>T, p.Arg199Leu (NM_001300899.2, NM_001368136.1, NM_001368137.1 and 4 more transcripts); c.581G>T, p.Arg194Leu (NM_001368138.1); short protein forms R194L, R199L.
Identifiers: ClinVar variation 3342352 (VCV003342352.2).

ClinVar aggregate classification (germline): Uncertain significance. Review status: criteria provided, multiple submitters, no conflicts (2 of 4 stars). 2 submissions from 2 submitters: Uncertain significance (2). Last evaluated 2025-12-02.

Conditions:
MYO6-related disorder. Also called: MYO6-related condition; MYO6-related disorders.

gnomAD v4.1: 18 of 1,613,716 alleles (0.0011%); highest among the groups gnomAD compares: Non-Finnish European, 0.0015%; no homozygotes.

Submissions (2):

PreventionGenetics, part of Exact Sciences
Classification: Uncertain significance for MYO6-related condition. Last evaluated: 2025-12-02. Review status: criteria provided, single submitter. Criteria: ACMG Guidelines, 2015. Collection method: clinical testing. Allele origin: germline.
Comment: The MYO6 c.596G>T variant is predicted to result in the amino acid substitution p.Arg199Leu. To our knowledge, this variant has not been reported in the literature or in a large population database (gnomAD), indicating this variant is rare. At this time, the clinical significance of this variant is uncertain due to the absence of conclusive functional and genetic evidence.

GeneDx
Classification: Uncertain significance. Last evaluated: 2023-10-02. Review status: criteria provided, single submitter. Criteria: GeneDx Variant Classification Process June 2021. Collection method: clinical testing. Allele origin: germline. Affected: yes.
Comment: Not observed at significant frequency in large population cohorts (gnomAD); In silico analysis supports that this missense variant has a deleterious effect on protein structure/function; Has not been previously published as pathogenic or benign to our knowledge